The following is an entry in ClinVar:

NM_001378454.1(ALMS1):c.9040G>A (p.Ala3014Thr)

Gene: ALMS1 (ALMS1 centrosome and basal body associated protein; plus strand). Cytogenetic location: 2p13.1.
Variant type: single nucleotide variant.
Coding change: c.9040G>A on transcript NM_001378454.1 (MANE Select); coding-DNA position 9040, G replaced by A.
Protein change: p.Ala3014Thr; replaces alanine 3014 with threonine.
Molecular consequence: missense variant.
Genome position (GRCh38, 1-based): chr2:73,490,999, G>A. VCF-style: chr2-73490999-G-A. GRCh37 (hg19) VCF-style: chr2-73718126-G-A.
Other names: c.9043G>A, p.Ala3015Thr (NM_015120.4); short protein forms A3014T, A3015T.
Identifiers: ClinVar variation 3857558 (VCV003857558.1).

ClinVar aggregate classification (germline): Uncertain significance (1 of 4 stars; one submission).

Conditions:
Cardiovascular phenotype. Identifiers: MedGen CN230736.

Submission:

Ambry Genetics
Classification: Uncertain significance for Cardiovascular phenotype. Last evaluated: 2025-02-24. Review status: criteria provided, single submitter. Criteria: Ambry Variant Classification Scheme 2023. Collection method: clinical testing. Allele origin: germline.
Comment: The p.A3015T variant (also known as c.9043G>A), located in coding exon 10 of the ALMS1 gene, results from a G to A substitution at nucleotide position 9043. The alanine at codon 3015 is replaced by threonine, an amino acid with similar properties. This amino acid position is well conserved in available vertebrate species. In addition, this alteration is predicted to be tolerated by in silico analysis. Based on the available evidence, the clinical significance of this variant remains unclear.